The following is an entry in ClinVar:

ClinVar aggregate classification (germline): Uncertain significance (1 of 4 stars; one submission).

Submission:

Ambry Genetics
Classification: Uncertain significance. Last evaluated: 2025-02-26. Review status: criteria provided, single submitter. Criteria: Ambry Variant Classification Scheme 2023. Collection method: clinical testing. Allele origin: germline.
Comment: The p.R565S variant (also known as c.1695G>C), located in coding exon 7 of the WNK2 gene, results from a G to C substitution at nucleotide position 1695. The arginine at codon 565 is replaced by serine, an amino acid with dissimilar properties. This amino acid position is conserved. In addition, this alteration is predicted to be tolerated by in silico analysis. Based on the available evidence, the clinical significance of this variant remains unclear.

NM_006648.4(WNK2):c.1695G>C (p.Arg565Ser)

Gene: WNK2 (WNK lysine deficient protein kinase 2; plus strand). Cytogenetic location: 9q22.31.
Variant type: single nucleotide variant.
Coding change: c.1695G>C on transcript NM_006648.4 (MANE Select); coding-DNA position 1695, G replaced by C.
Protein change: p.Arg565Ser; replaces arginine 565 with serine.
Molecular consequence: missense variant.
Genome position (GRCh38, 1-based): chr9:93,247,695, G>C. VCF-style: chr9-93247695-G-C. GRCh37 (hg19) VCF-style: chr9-96009977-G-C.
Other names: c.1695G>C, p.Arg565Ser (NM_001282394.3); short protein forms R565S.
Identifiers: ClinVar variation 3817163 (VCV003817163.1).
Genomic context (GRCh38, chr9:93,247,695, plus strand): 5'-GATCTGGCCCGCGCTGCAGCCCAAGGAGCAGCAGGATGTGGGCAGCCCGGACAAGGCCAG[G>C]GGTCCGCCGGTGCCCCTGCAGGTCCAGGTGACCTACCATGCACAGGCTGGGCAGCCCGGG-3'
Protein context (NP_006639.3, residues 555-575): QQDVGSPDKA[Arg565Ser]GPPVPLQVQV